The following is an entry in ClinVar:

ClinVar aggregate classification (germline): Pathogenic (1 of 4 stars; one submission).

Conditions:
Nemaline myopathy 2 (NEM2). Also called: Nemaline myopathy 2, autosomal recessive. Identifiers: MedGen C1850569, MONDO:0009725, OMIM 256030.

Submission:

Labcorp Genetics (formerly Invitae), Labcorp
Classification: Pathogenic for Nemaline myopathy 2. Last evaluated: 2022-10-05. Review status: criteria provided, single submitter. Criteria: Invitae Variant Classification Sherloc (09022015). Collection method: clinical testing. Allele origin: germline.
Comment: This sequence change creates a premature translational stop signal (p.Tyr984*) in the NEB gene. It is expected to result in an absent or disrupted protein product. Loss-of-function variants in NEB are known to be pathogenic (PMID: 25205138). This variant is not present in population databases (gnomAD no frequency). This variant has not been reported in the literature in individuals affected with NEB-related conditions. For these reasons, this variant has been classified as Pathogenic.

Literature cited by the submitters: PubMed 25205138.

NM_001164508.2(NEB):c.2951dup (p.Tyr984Ter)

Gene: NEB (nebulin; minus strand). Cytogenetic location: 2q23.3.
Variant type: Duplication.
Coding change: c.2951dup on transcript NM_001164508.2 (MANE Select); coding-DNA position 2951, one base duplicated (A; older notation c.2951dupA).
Protein change: p.Tyr984Ter; replaces tyrosine 984 with a stop codon.
Molecular consequence: nonsense.
Genome position (GRCh38, 1-based): chr2:151,680,821, T duplicated on the plus strand (A on the coding strand, the reverse complement: NEB is on the minus strand). VCF-style (leftmost placement, unchanged base first): chr2-151680820-A-AT. GRCh37 (hg19) VCF-style: chr2-152537334-A-AT.
Other names: c.2951dup, p.Tyr984Ter (NM_001164507.2, NM_001271208.2, NM_004543.5); short protein forms Y984*.
Identifiers: ClinVar variation 2034215 (VCV002034215.4), dbSNP rs2552264024, ClinGen allele CA2580064043.